The following is an entry in ClinVar:

ClinVar aggregate classification (germline): Likely benign. Review status: criteria provided, multiple submitters, no conflicts (2 of 4 stars). 3 submissions from 3 submitters: Likely benign (3). Last evaluated 2025-02-14.

Conditions:
Cardiomyopathy (CMYO). Also called: Cardiomyopathies. Identifiers: Orphanet 167848, MedGen C0878544, MONDO:0004994, HP:0001638. Inheritance: Various modes of inheritance.
Hypertrophic cardiomyopathy. Also called: HYPERTROPHIC MYOCARDIOPATHY. Identifiers: Orphanet 217569, MedGen C0007194, MeSH D002312, MONDO:0005045, HP:0001639.

Allele frequency attached by ClinVar (database versions not stated): gnomAD exomes 0.00001; TOPMed 0.00001; gnomAD 0.00001.
gnomAD v4.1: 14 of 1,554,480 alleles (0.0009%); highest among the groups gnomAD compares: African/African-American, 0.0041%; no homozygotes.

Submissions (3):

Labcorp Genetics (formerly Invitae), Labcorp
Classification: Likely benign for Hypertrophic cardiomyopathy. Last evaluated: 2025-02-14. Review status: criteria provided, single submitter. Criteria: Invitae Variant Classification Sherloc (09022015). Collection method: clinical testing. Allele origin: germline.

All of Us Research Program, National Institutes of Health
Classification: Likely benign for Hypertrophic cardiomyopathy. Last evaluated: 2023-02-24. Review status: criteria provided, single submitter. Criteria: ACMG Guidelines, 2015. Collection method: clinical testing. Allele origin: germline. Inheritance: Autosomal dominant inheritance. Observed: 1 variant allele, 1 heterozygote.
Comment: This study involves interpretation of variants in research participants for the purpose of population health screening. Participant phenotype was not available at the time of variant classification. Additional details can be found in publication PMID: 35346344, PMCID: PMC8962531

Color Diagnostics, LLC DBA Color Health
Classification: Likely benign for Cardiomyopathy. Last evaluated: 2022-11-23. Review status: criteria provided, single submitter. Criteria: ACMG Guidelines, 2015. Collection method: clinical testing. Allele origin: germline.

NM_000256.3(MYBPC3):c.1224-14C>T

Gene: MYBPC3 (myosin binding protein C3; minus strand). Cytogenetic location: 11p11.2.
Variant type: single nucleotide variant.
Coding change: c.1224-14C>T on transcript NM_000256.3 (MANE Select); 14 bases into the intron before coding-DNA position 1224, C replaced by T.
Molecular consequence: intron variant.
Genome position (GRCh38, 1-based): chr11:47,343,276, G>A on the plus strand (C>T on the coding strand, the complement: MYBPC3 is on the minus strand). VCF-style: chr11-47343276-G-A. GRCh37 (hg19) VCF-style: chr11-47364827-G-A.
Identifiers: ClinVar variation 2142604 (VCV002142604.5), dbSNP rs1235937921, ClinGen allele CA599374235.
Genomic context (GRCh38, chr11:47,343,276, plus strand): 5'-AATCCCTGTGCCCCCCACCCCAAGCCATCCAGAGGGGAACTTACTTGCTGTAGAACAGAA[G>A]GGGCCGTTGAAGTGTTCCCGACGGGAGGAAGTGAGCCCGAGACAAAAGGAGAGAGAGAGA-3'